The following is an entry in ClinVar:

NM_015978.3(TNNI3K):c.235+3_235+6del

Genes: FPGT-TNNI3K (FPGT-TNNI3K readthrough; plus strand), TNNI3K (TNNI3 interacting kinase; plus strand). Cytogenetic location: 1p31.1.
Variant type: Deletion.
Coding change: c.235+3_235+6del on transcript NM_015978.3 (MANE Select); bases 3 to 6 of the intron after coding-DNA position 235, 4 bases deleted (GAGT; older notation c.235+3_235+6delGAGT).
Molecular consequence: splice donor variant.
Genome position (GRCh38, 1-based): chr1:74,249,547-74,249,550, GAGT deleted; deleting any 4 consecutive bases within chr1:74,249,545-74,249,550 gives the same sequence; the c. name uses the placement nearest the transcript's 3' end. VCF-style (leftmost placement, unchanged base first): chr1-74249544-GGTGA-G. GRCh37 (hg19) VCF-style: chr1-74715228-GGTGA-G.
Other names: c.538+3_538+6del (NM_001112808.3, NM_001199327.2).
Identifiers: ClinVar variation 2692928 (VCV002692928.3), dbSNP rs2524364549, ClinGen allele CA2646212678.
Genomic context (GRCh38, chr1:74,249,544, plus strand): 5'-AATTTAAATTACCGCACTGAAAATGGGCTGTCTCTACTTCATTTATGTTGCATTTGTGGA[GGTGA>G]GTACTTGAAACTTAGTACTTCTTAAACTGGTTATATGTGTATATCGTCAGTGACTTGAGC-3'

ClinVar aggregate classification (germline): Uncertain significance (1 of 4 stars; one submission).

Submission:

Labcorp Genetics (formerly Invitae), Labcorp
Classification: Uncertain significance. Last evaluated: 2023-11-03. Review status: criteria provided, single submitter. Criteria: Invitae Variant Classification Sherloc (09022015). Collection method: clinical testing. Allele origin: germline.
Comment: This sequence change falls in intron 3 of the TNNI3K gene. It does not directly change the encoded amino acid sequence of the TNNI3K protein. It affects a nucleotide within the consensus splice site. This variant is not present in population databases (gnomAD no frequency). This variant has not been reported in the literature in individuals affected with TNNI3K-related conditions. Variants that disrupt the consensus splice site are a relatively common cause of aberrant splicing (PMID: 17576681, 9536098). Algorithms developed to predict the effect of sequence changes on RNA splicing suggest that this variant may disrupt the consensus splice site. In summary, the available evidence is currently insufficient to determine the role of this variant in disease. Therefore, it has been classified as a Variant of Uncertain Significance.

Literature cited by the submitters: PubMed 17576681; PubMed 9536098.